The following is an entry in ClinVar:

NC_000015.10:g.(?_25339117)_(25409127_?)del

Genes: SNHG14 (small nucleolar RNA host gene 14; plus strand), UBE3A (ubiquitin protein ligase E3A; minus strand). Cytogenetic location: 15q11.2.
Variant type: Deletion.
Identifiers: ClinVar variation 458663 (VCV000458663.3).

ClinVar aggregate classification (germline): Pathogenic (1 of 4 stars; one submission).

Conditions:
Angelman syndrome (AS). Also called: HAPPY PUPPET SYNDROME. Identifiers: Orphanet 72, MedGen C0162635, MONDO:0007113, OMIM 105830. Disease mechanism: loss of function. Inheritance: AS is caused by disruption of maternally imprinted UBE3A located within the 15q11.2-q13 Angelman syndrome/Prader-Willi syndrome (AS/PWS) region., imprinting disorder.

Submission:

Labcorp Genetics (formerly Invitae), Labcorp
Classification: Pathogenic for Angelman syndrome. Last evaluated: 2019-12-23. Review status: criteria provided, single submitter. Criteria: Invitae Variant Classification Sherloc (09022015). Collection method: clinical testing. Allele origin: germline.
Comment: A gross deletion of the genomic region encompassing the full coding sequence of the UBE3A gene has been identified. The boundaries of this event are unknown as the deletion extends beyond the assayed region for this gene and therefore may encompass additional genes. Deletions of only UBE3A have not been reported in the literature in individuals with UBE3A-related disease. Larger deletions of chromosome 15 encompassing this gene and neighboring genes have been reported in individuals affected with Angelman syndrome (PMID: 25099823, 12210318, 18821858) as well as epileptic encephalopathy (PMID: 22190369). Loss-of-function variants in UBE3A are known to be pathogenic (PMID: 25212744). For these reasons, this variant has been classified as Pathogenic.

Literature cited by the submitters: PubMed 18821858; PubMed 25099823; PubMed 22190369; PubMed 12210318.